The following continues an entry in ClinVar:

NM_000059.4(BRCA2):c.4284dup (p.Gln1429fs)

Gene: BRCA2. ClinVar aggregate classification (germline): Pathogenic. Pathogenic (1).

Submissions 19 to 33 of 41:

Baylor Genetics
Classification: Pathogenic for Familial cancer of breast. Last evaluated: 2024-02-28. Review status: criteria provided, single submitter. Criteria: ACMG Guidelines, 2015. Collection method: clinical testing. Allele origin: unknown. Not counted in ClinVar's aggregate classification.

Revvity Omics, Revvity
Classification: Pathogenic. Last evaluated: 2023-12-16. Review status: criteria provided, single submitter. Criteria: ACMG Guidelines, 2015. Collection method: clinical testing. Allele origin: germline. Not counted in ClinVar's aggregate classification.

GeneDx
Classification: Pathogenic. Last evaluated: 2023-07-26. Review status: criteria provided, single submitter. Criteria: GeneDx Variant Classification Process June 2021. Collection method: clinical testing. Allele origin: germline. Affected: yes. Not counted in ClinVar's aggregate classification.
Comment: Frameshift variant predicted to result in protein truncation or nonsense mediated decay in a gene for which loss of function is a known mechanism of disease; Not observed at significant frequency in large population cohorts (gnomAD); Truncating variants in this gene are considered pathogenic by a well-established clinical consortium and/or database; Also known as 4512dupT; This variant is associated with the following publications: (PMID: 21120943, 27836010, 22085629, 24728189, 22762150, 24156927, 24670361, 20373018, 11179017, 27741520, 29061375, 28657667, 29907814, 26360800, 29753700, 21324516, 21702907, 23942203, 30128899, 29641532, 29084914, 30720243, 31368036, 31336956, 29483665, 31447099, 32846166, 32295079, 32438681, 32719484, 32853339, 32782288, 28888541, 36988593, 36329109, 37179432, 36136896, 35205366, 35463374, 35216584)

KCCC/NGS Laboratory, Kuwait Cancer Control Center
Classification: Pathogenic for Breast-ovarian cancer, familial, susceptibility to, 2. Last evaluated: 2023-06-06. Review status: criteria provided, single submitter. Criteria: ACMG Guidelines, 2015. Collection method: clinical testing. Allele origin: germline. Affected: yes. Not counted in ClinVar's aggregate classification.
Comment: BRCA2 (p.Gln1429fs): This insertion of one nucleotide in BRCA2 is denoted c.4284insT at the cDNA level and p.Gln1429SerfsX9 (Q1429SfsX9) at the protein level. The normal sequence, with the base that is duplicated in brackets, is ATTTTT[insT]CAGA. The duplication causes a frameshift, which changes a Glutamine to a Serine at codon 1429 and creates a premature stop codon at position 9 of the new reading frame. This variant is predicted to cause loss of normal protein function through either protein truncation or nonsense-mediated mRNA decay. BRCA2 c.4284insT, previously reported as 4510dupT or 4512dupT using alternate nomenclature. The BRCA2 c.4284insT; p.Gln1429fs variant is reported in the literature in multiple individuals affected with breast or ovarian cancer or that met criteria for hereditary breast and/or ovarian cancer (HBOC) syndrome (Fernandes 2016, Koumpis 2011, Palmero 2018, Risch 2001, Zhang 2011, Zuradelli 2010). This variant is present on a single chromosome in the Genome Aggregation Database, indicating it is not a common polymorphism, and it is reported as pathogenic by multiple laboratories in ClinVar (Variation ID: 37892). This variant causes a frameshift by inserting a single nucleotide, so it is predicted to result in a truncated protein or mRNA subject to nonsense-mediated decay. Based on available information, this variant is considered to be pathogenic.

Fulgent Genetics
Classification: Pathogenic for Familial cancer of breast; Medulloblastoma; Familial prostate cancer; Wilms tumor 1; Fanconi anemia complementation group D1; Breast-ovarian cancer, familial, susceptibility to, 2; Glioma susceptibility 3; Pancreatic cancer, susceptibility to, 2. Last evaluated: 2022-05-19. Review status: criteria provided, single submitter. Criteria: ACMG Guidelines, 2015. Collection method: clinical testing. Allele origin: unknown. Not counted in ClinVar's aggregate classification.

Human Genetics Bochum, Ruhr University Bochum
Classification: Pathogenic for Breast-ovarian cancer, familial, susceptibility to, 2. Last evaluated: 2022-03-08. Review status: criteria provided, single submitter. Criteria: ACMG Guidelines, 2015. Collection method: clinical testing. Allele origin: germline. Affected: yes. Not counted in ClinVar's aggregate classification.
Comment: ACMG criteria used to clasify this variant: PVS1, PS4, PM1, PM2, PP5

Women's Health and Genetics/Laboratory Corporation of America, LabCorp
Classification: Pathogenic for Hereditary breast ovarian cancer syndrome. Last evaluated: 2021-11-11. Review status: criteria provided, single submitter. Criteria: LabCorp Variant Classification Summary - May 2015. Collection method: clinical testing. Allele origin: germline. Not counted in ClinVar's aggregate classification.
Comment: Variant summary: BRCA2 c.4284dupT (p.Gln1429SerfsX9) results in a premature termination codon, predicted to cause a truncation of the encoded protein or absence of the protein due to nonsense mediated decay, which are commonly known mechanisms for disease. Truncations downstream of this position have been classified as pathogenic by our laboratory. The variant allele was found at a frequency of 4e-06 in 247482 control chromosomes (gnomAD). c.4284dupT has been reported in the literature in multiple individuals affected with Hereditary Breast And Ovarian Cancer Syndrome (e.g. Risch_2001, Caux-Moncoutier_2011, Song_2014, Tea_2014, Fernandes_2016). These data indicate that the variant is very likely to be associated with disease. Thirteen clinical diagnostic laboratories and one expert panel (ENIGMA) have submitted clinical-significance assessments for this variant to ClinVar after 2014 and all classified the variant as pathogenic. Based on the evidence outlined above, the variant was classified as pathogenic.

Genetics Program, Instituto Nacional de Cancer
Classification: Pathogenic for Hereditary breast ovarian cancer syndrome. Last evaluated: 2021-11-01. Review status: criteria provided, single submitter. Criteria: ACMG Guidelines, 2015. Collection method: research. Allele origin: germline. Affected: yes. Not counted in ClinVar's aggregate classification.

Laboratory for Molecular Medicine, Mass General Brigham Personalized Medicine
Classification: Pathogenic for Hereditary breast ovarian cancer syndrome. Last evaluated: 2021-07-15. Review status: criteria provided, single submitter. Criteria: ACMG Guidelines, 2015. Collection method: clinical testing. Allele origin: germline. Inheritance: Autosomal dominant inheritance. Not counted in ClinVar's aggregate classification.
Comment: The p.Gln1429SerfsX9 variant in BRCA2 has been reported in >10 individuals with BRCA2-associated cancers (Risch 2001 PMID:11179017, Zuradelli 2010 PMID:20373018, Zhang 2011 PMID:21324516, Koumpis 2011 PMID:22085629, Caux-Moncoutier 2011 PMID:21120943, Song 2014 PMID:24728189, Pilie 2017 PMID:28657667, Nielsen 2016 PMID:26360800, Palmero 2018 PMID:29907814, Waszak 2018 PMID:29753700, Breast Cancer Information Core (BIC) database). It was absent from large population studies. This variant is predicted to cause a frameshift, which alters the protein’s amino acid sequence beginning at position 1429 and leads to a premature termination codon 9 amino acids downstream. This alteration is then predicted to lead to a truncated or absent protein. Heterozygous loss of function of the BRCA2 gene is an established disease mechanism in hereditary breast and ovarian cancer (HBOC). Additionally, this variant was classified as pathogenic on Sept 13, 2016 by the ClinGen-approved ENIGMA expert panel (Variation ID 37892). In summary, this variant meets criteria to be classified as pathogenic for HBOC in an autosomal dominant manner. ACMG/AMP Criteria Applied: PS4_Moderate, PM2_Supporting, PVS1.

New York Genome Center
Classification: Pathogenic for Breast-ovarian cancer, familial, susceptibility to, 2. Last evaluated: 2020-12-28. Review status: criteria provided, single submitter. Criteria: NYGC Assertion Criteria 2020. Collection method: clinical testing. Allele origin: germline. Observed: 1 heterozygote. Not counted in ClinVar's aggregate classification.
Comment: The heterozygous c.4284dup (p.Gln1429SerfsTer9) variant identified in exon 11 (of 27) of the BRCA2 gene alters the wild-type translational reading frame and is predicted to cause loss of normal protein function either through protein truncation or nonsense-mediated mRNA decay. This variant has been previously reported in multiple unrelated individuals affected with BRCA2-associated disorders [PMID: 11179017;PMID: 26360800;PMID: 28657667;PMID: 29753700]. This variant has also been reported as pathogenic in the ClinVar database by multiple independent laboratories (Variation ID: 37892). The variant is absent from the gnomAD(v3) database indicating it is an extremely rare allele in the populations represented in that database. Based on the available evidence, the heterozygous c.4284dup (p.Gln1429SerfsTer9) variant identified in the BRCA2 gene is reported as Pathogenic.

Mayo Clinic Laboratories, Mayo Clinic
Classification: Pathogenic. Last evaluated: 2019-09-21. Review status: criteria provided, single submitter. Criteria: ACMG Guidelines, 2015. Collection method: clinical testing. Allele origin: germline. Observed: 1 variant allele. Not counted in ClinVar's aggregate classification.
Comment: PVS1, PS4_Mod, PM1, PM2, PP5

Human Genome Sequencing Center Clinical Lab, Baylor College of Medicine
Classification: Pathogenic for Breast-ovarian cancer, familial, susceptibility to, 2. Last evaluated: 2018-01-30. Review status: criteria provided, single submitter. Criteria: ACMG Guidelines, 2015. Collection method: clinical testing. Allele origin: germline. Not counted in ClinVar's aggregate classification.
Comment: This c.4284_4285insT (p.Gln1429Serfs*9) variant in the BRCA2 gene has been reported in multiple breast cancer and ovarian cancer patient [PMID: 21120943, 22085629, 24728189] while only observed once in general population according to gnomad database. This variant is predicted to cause loss of function of normal protein through mRNA decay or producing a truncated protein, which is a known disease mechanism for this gene. Based on the current evidences, this c.4284_4285insT (p.Gln1429Serfs*9) variant in the BRCA2 gene is classified as pathogenic.

Consortium of Investigators of Modifiers of BRCA1/2 (CIMBA), c/o University of Cambridge
Classification: Pathogenic for Breast-ovarian cancer, familial, susceptibility to, 2. Last evaluated: 2015-10-02. Review status: criteria provided, single submitter. Criteria: CIMBA Mutation Classification guidelines May 2016. Collection method: clinical testing. Allele origin: germline. Not counted in ClinVar's aggregate classification.

Genesis Genomics
Classification: Pathogenic for Breast-ovarian cancer, familial, susceptibility to, 2. Review status: criteria provided, single submitter. Criteria: ACMG Guidelines, 2015. Collection method: clinical testing. Allele origin: germline. Affected: yes. Observed: 1 variant allele. Not counted in ClinVar's aggregate classification.

Institute of Human Genetics, University Hospital of Duesseldorf
Classification: Pathogenic for Breast-ovarian cancer, familial, susceptibility to, 2. Review status: criteria provided, single submitter. Criteria: ACMG Guidelines, 2015. Collection method: not provided. Allele origin: germline. Inheritance: Autosomal dominant inheritance. Affected: yes. Not counted in ClinVar's aggregate classification.